The following is an entry in ClinVar:

ClinVar aggregate classification (germline): Uncertain significance. Review status: criteria provided, multiple submitters, no conflicts (2 of 4 stars). 2 submissions from 2 submitters: Uncertain significance (2). Last evaluated 2022-08-05.

Conditions:
Familial thoracic aortic aneurysm and aortic dissection (TAAD). Also called: Thoracic aortic aneurysms and dissections. Identifiers: Orphanet 91387, MedGen C4707243, MONDO:0019625.

Submissions (2):

Blueprint Genetics
Classification: Uncertain significance. Last evaluated: 2022-08-05. Review status: criteria provided, single submitter. Criteria: ACMG Guidelines, 2015. Collection method: clinical testing. Allele origin: germline.

Labcorp Genetics (formerly Invitae), Labcorp
Classification: Uncertain significance for Familial thoracic aortic aneurysm and aortic dissection. Last evaluated: 2018-07-03. Review status: criteria provided, single submitter. Criteria: Invitae Variant Classification Sherloc (09022015). Collection method: clinical testing. Allele origin: germline.
Comment: This sequence change replaces valine with glycine at codon 363 of the SMAD3 protein (p.Val363Gly). TheÂ¬â€ valineÂ¬â€ residue is highly conserved and there is a moderate physicochemical difference betweenÂ¬â€ valineÂ¬â€ and glycine. This variant is not present in population databases (ExAC no frequency). This variant has not been reported in the literature in individuals with SMAD3-related disease. Algorithms developed to predict the effect of missense changes on protein structure and function are either unavailable or do not agree on the potential impact of this missense change (SIFT: "Deleterious"; PolyPhen-2: "Probably Damaging"; Align-GVGD: "Class C0"). In summary, the available evidence is currently insufficient to determine the role of this variant in disease. Therefore, it has been classified as a Variant of Uncertain Significance.

NM_005902.4(SMAD3):c.1088T>G (p.Val363Gly)

Gene: SMAD3 (SMAD family member 3; plus strand). Cytogenetic location: 15q22.33.
Variant type: single nucleotide variant.
Coding change: c.1088T>G on transcript NM_005902.4 (MANE Select); coding-DNA position 1088, T replaced by G.
Protein change: p.Val363Gly; replaces valine 363 with glycine.
Molecular consequence: missense variant.
Genome position (GRCh38, 1-based): chr15:67,187,443, T>G. VCF-style: chr15-67187443-T-G. GRCh37 (hg19) VCF-style: chr15-67479781-T-G.
Other names: c.773T>G, p.Val258Gly (NM_001145102.2); c.956T>G, p.Val319Gly (NM_001145103.2); c.503T>G, p.Val168Gly (NM_001145104.2); short protein forms V168G, V258G, V319G, V363G.
Identifiers: ClinVar variation 643386 (VCV000643386.2), dbSNP rs1595962693, ClinGen allele CA392958223.